The following is an entry in ClinVar:

NM_004387.4(NKX2-5):c.-10C>T

Gene: NKX2-5 (NK2 homeobox 5; minus strand). Cytogenetic location: 5q35.1.
Variant type: single nucleotide variant.
Coding change: c.-10C>T on transcript NM_004387.4 (MANE Select); 10 bases upstream of the start codon, C replaced by T.
Molecular consequence: 5 prime UTR variant.
Genome position (GRCh38, 1-based): chr5:173,235,093, G>A on the plus strand (C>T on the coding strand, the complement: NKX2-5 is on the minus strand). VCF-style: chr5-173235093-G-A. GRCh37 (hg19) VCF-style: chr5-172662096-G-A.
Other names: c.-10C>T (NM_001166175.2, NM_001166176.2).
Identifiers: ClinVar variation 4820433 (VCV004820433.2).

ClinVar aggregate classification (germline): Likely benign. Review status: criteria provided, multiple submitters, no conflicts (2 of 4 stars). 2 submissions from 2 submitters: Likely benign (2). Last evaluated 2026-03-27.

gnomAD v4.1: 31 of 1,597,542 alleles (0.0019%); highest among the groups gnomAD compares: Middle Eastern, 0.019%; no homozygotes.

Submissions (2):

Molecular Diagnostic Laboratory for Inherited Cardiovascular Disease, Montreal Heart Institute
Classification: Likely benign. Last evaluated: 2026-03-27. Review status: criteria provided, single submitter. Criteria: ACMG Guidelines, 2015. Collection method: clinical testing. Allele origin: germline. Affected: no.
Comment: BS1;BP4

Blueprint Genetics
Classification: Likely benign. Last evaluated: 2021-06-08. Review status: criteria provided, single submitter. Criteria: ACMG Guidelines, 2015. Collection method: clinical testing. Allele origin: germline.